The following is an entry in ClinVar:

NM_138459.5(NUS1):c.7G>A (p.Gly3Arg)

Gene: NUS1 (NUS1 dehydrodolichyl diphosphate synthase subunit; plus strand). Cytogenetic location: 6q22.1.
Variant type: single nucleotide variant.
Coding change: c.7G>A on transcript NM_138459.5 (MANE Select); coding-DNA position 7, G replaced by A.
Protein change: p.Gly3Arg; replaces glycine 3 with arginine.
Molecular consequence: missense variant.
Genome position (GRCh38, 1-based): chr6:117,675,677, G>A. VCF-style: chr6-117675677-G-A. GRCh37 (hg19) VCF-style: chr6-117996840-G-A.
Other names: short protein forms G3R.
Identifiers: ClinVar variation 1352031 (VCV001352031.6), dbSNP rs1772960680, ClinGen allele CA365535704.

ClinVar aggregate classification (germline): Uncertain significance (1 of 4 stars; one submission).

Conditions:
Congenital disorder of glycosylation, type Iaa. Also called: Congenital disorder of glycosylation, type 1aa. Identifiers: MedGen C4310727, MONDO:0014904, OMIM 617082.

Allele frequency attached by ClinVar (database versions not stated): gnomAD exomes below 0.00001.
gnomAD v4.1: 4 of 1,473,192 alleles (0.00027%); highest among the groups gnomAD compares: Non-Finnish European, 0.00037%; no homozygotes.

Submission:

Labcorp Genetics (formerly Invitae), Labcorp
Classification: Uncertain significance for Congenital disorder of glycosylation, type Iaa. Last evaluated: 2021-10-10. Review status: criteria provided, single submitter. Criteria: Invitae Variant Classification Sherloc (09022015). Collection method: clinical testing. Allele origin: germline.
Comment: In summary, the available evidence is currently insufficient to determine the role of this variant in disease. Therefore, it has been classified as a Variant of Uncertain Significance. Algorithms developed to predict the effect of missense changes on protein structure and function are either unavailable or do not agree on the potential impact of this missense change (SIFT: "Deleterious"; PolyPhen-2: "Possibly Damaging"; Align-GVGD: "Class C0"). This missense change has been observed in individual(s) with clinical features of developmental and epileptic encephalopathy (Invitae). The frequency data for this variant in the population databases is considered unreliable, as metrics indicate insufficient coverage at this position in the ExAC database. This sequence change replaces glycine with arginine at codon 3 of the NUS1 protein (p.Gly3Arg). The glycine residue is moderately conserved and there is a moderate physicochemical difference between glycine and arginine.